The following is an entry in ClinVar:

NM_153006.3(NAGS):c.1175T>A (p.Val392Glu)

Gene: NAGS (N-acetylglutamate synthase; plus strand). Cytogenetic location: 17q21.31.
Variant type: single nucleotide variant.
Coding change: c.1175T>A on transcript NM_153006.3 (MANE Select); coding-DNA position 1175, T replaced by A.
Protein change: p.Val392Glu; replaces valine 392 with glutamic acid.
Molecular consequence: missense variant.
Genome position (GRCh38, 1-based): chr17:44,007,401, T>A. VCF-style: chr17-44007401-T-A. GRCh37 (hg19) VCF-style: chr17-42084769-T-A.
Other names: short protein forms V392E.
Identifiers: ClinVar variation 1440762 (VCV001440762.5), dbSNP rs1168032842, ClinGen allele CA399726904.
Genomic context (GRCh38, chr17:44,007,401, plus strand): 5'-AGAACGCCGAGCGAATGCTACGGGTGCGCAGCCTGGACAAGCTGGACCAGGGCCGTCTAG[T>A]GGACCTGGTCAACGCCAGCTTCGGCAAGAAGCTCAGGGACGACTACCTGGCCTCGCTGCG-3'
Protein context (NP_694551.1, residues 382-402): SLDKLDQGRL[Val392Glu]DLVNASFGKK

ClinVar aggregate classification (germline): Uncertain significance (1 of 4 stars; one submission).

Conditions:
Hyperammonemia, type III (NAGSD). Also called: Hyperammonemia due to N-acetylglutamate synthase deficiency. Identifiers: Orphanet 927, MedGen C0268543, MONDO:0009377, OMIM 237310.

Submission:

Labcorp Genetics (formerly Invitae), Labcorp
Classification: Uncertain significance for Hyperammonemia, type III. Last evaluated: 2021-09-01. Review status: criteria provided, single submitter. Criteria: Invitae Variant Classification Sherloc (09022015). Collection method: clinical testing. Allele origin: germline.
Comment: This sequence change replaces valine with glutamic acid at codon 392 of the NAGS protein (p.Val392Glu). The valine residue is highly conserved and there is a moderate physicochemical difference between valine and glutamic acid. This variant is not present in population databases (ExAC no frequency). This variant has not been reported in the literature in individuals affected with NAGS-related conditions. Algorithms developed to predict the effect of missense changes on protein structure and function are either unavailable or do not agree on the potential impact of this missense change (SIFT: "Deleterious"; PolyPhen-2: "Benign"; Align-GVGD: "Class C0"). In summary, the available evidence is currently insufficient to determine the role of this variant in disease. Therefore, it has been classified as a Variant of Uncertain Significance.